The following is an entry in ClinVar:

NM_015443.4(KANSL1):c.1705G>A (p.Glu569Lys)

Gene: KANSL1 (KAT8 regulatory NSL complex subunit 1). Cytogenetic location: 17q21.31.
Variant type: single nucleotide variant.
Coding change: c.1705G>A on transcript NM_015443.4 (MANE Select); coding-DNA position 1705, G replaced by A.
Protein change: p.Glu569Lys; replaces glutamic acid 569 with lysine.
Molecular consequence: missense variant.
Genome position (GRCh38, 1-based): chr17:46,066,680, C>T on the plus strand (G>A on the coding strand, the complement: KANSL1 is on the minus strand). VCF-style: chr17-46066680-C-T. GRCh37 (hg19) VCF-style: chr17-44144046-C-T.
Other names: c.1705G>A, p.Glu569Lys (NM_001193465.2, NM_001193466.2, NM_001379198.1 and 14 more transcripts); c.1603G>A, p.Glu535Lys (NM_001405859.1, NM_001405860.1, NM_001405861.1 and 1 more transcripts); c.439G>A, p.Glu147Lys (NM_001405882.1, NM_001405883.1, NM_001405884.1 and 1 more transcripts); short protein forms E147K, E535K, E569K.
Identifiers: ClinVar variation 4858583 (VCV004858583.1).

ClinVar aggregate classification (germline): Uncertain significance (1 of 4 stars; one submission).

Conditions:
Inborn genetic diseases. Identifiers: MedGen C0950123, MeSH D030342.

gnomAD v4.1: 4 of 1,614,018 alleles (0.00025%); highest among the groups gnomAD compares: Admixed American, 0.0017%; no homozygotes.

Submission:

Ambry Genetics
Classification: Uncertain significance for Inborn genetic diseases. Last evaluated: 2026-05-11. Review status: criteria provided, single submitter. Criteria: Ambry Variant Classification Scheme 2023. Collection method: clinical testing. Allele origin: germline.
Comment: The c.1705G>A (p.E569K) alteration is located in exon 6 (coding exon 5) of the KANSL1 gene. This alteration results from a G to A substitution at nucleotide position 1705, causing the glutamic acid (E) at amino acid position 569 to be replaced by a lysine (K). Based on data from gnomAD, the A allele has an overall frequency of <0.001% (1/251000) total alleles studied. The highest observed frequency was 0.003% (1/34562) of Latino alleles. Based on insufficient or conflicting evidence, the clinical significance of this alteration remains unclear.